The following is an entry in ClinVar:

NM_206933.4(USH2A):c.7670G>C (p.Arg2557Thr)

Gene: USH2A (usherin; minus strand). Cytogenetic location: 1q41.
Variant type: single nucleotide variant.
Coding change: c.7670G>C on transcript NM_206933.4 (MANE Select); coding-DNA position 7670, G replaced by C.
Protein change: p.Arg2557Thr; replaces arginine 2557 with threonine.
Molecular consequence: missense variant.
Genome position (GRCh38, 1-based): chr1:215,888,979, C>G on the plus strand (G>C on the coding strand, the complement: USH2A is on the minus strand). VCF-style: chr1-215888979-C-G. GRCh37 (hg19) VCF-style: chr1-216062321-C-G.
Other names: c.7670G>C (NM_206933.2); short protein forms R2557T.
Identifiers: ClinVar variation 1431198 (VCV001431198.10), dbSNP rs143628000, ClinGen allele CA1394766.

ClinVar aggregate classification (germline): Uncertain significance. Review status: criteria provided, multiple submitters, no conflicts (2 of 4 stars). 4 submissions from 4 submitters: Uncertain significance (4). Last evaluated 2026-06-27.

Conditions:
Inborn genetic diseases. Identifiers: MedGen C0950123, MeSH D030342.
USH2A-related disorder. Also called: USH2A-related disorders; USH2A-related condition. Identifiers: MedGen CN239332.

Allele frequency attached by ClinVar (database versions not stated): ExAC 0.00002; gnomAD 0.00002; gnomAD exomes 0.00002; TOPMed 0.00003; ESP Exome Variant Server 0.00015.
gnomAD v4.1: 36 of 1,613,892 alleles (0.0022%); highest among the groups gnomAD compares: Non-Finnish European, 0.0029%; no homozygotes.

Submissions (4):

PreventionGenetics, part of Exact Sciences
Classification: Uncertain significance for USH2A-related condition. Last evaluated: 2026-06-27. Review status: criteria provided, single submitter. Criteria: ACMG Guidelines, 2015. Collection method: clinical testing. Allele origin: germline.
Comment: The USH2A c.7670G>C variant is predicted to result in the amino acid substitution p.Arg2557Thr. To our knowledge, this variant has not been reported in the literature. This variant is reported in 0.0044% of alleles in individuals of European (Non-Finnish) descent in gnomAD. At this time, the clinical significance of this variant is uncertain due to the absence of conclusive functional and genetic evidence.

Ambry Genetics
Classification: Uncertain significance for Inborn genetic diseases. Last evaluated: 2025-06-07. Review status: criteria provided, single submitter. Criteria: Ambry Variant Classification Scheme 2023. Collection method: clinical testing. Allele origin: germline.

Labcorp Genetics (formerly Invitae), Labcorp
Classification: Uncertain significance. Last evaluated: 2025-01-13. Review status: criteria provided, single submitter. Criteria: Invitae Variant Classification Sherloc (09022015). Collection method: clinical testing. Allele origin: germline.
Comment: This sequence change replaces arginine, which is basic and polar, with threonine, which is neutral and polar, at codon 2557 of the USH2A protein (p.Arg2557Thr). This variant is present in population databases (rs143628000, gnomAD 0.004%). This variant has not been reported in the literature in individuals affected with USH2A-related conditions. ClinVar contains an entry for this variant (Variation ID: 1431198). Invitae Evidence Modeling of protein sequence and biophysical properties (such as structural, functional, and spatial information, amino acid conservation, physicochemical variation, residue mobility, and thermodynamic stability) indicates that this missense variant is not expected to disrupt USH2A protein function with a negative predictive value of 95%. In summary, the available evidence is currently insufficient to determine the role of this variant in disease. Therefore, it has been classified as a Variant of Uncertain Significance.

Blueprint Genetics
Classification: Uncertain significance. Last evaluated: 2017-12-19. Review status: criteria provided, single submitter. Criteria: ACMG Guidelines, 2015. Collection method: clinical testing. Allele origin: germline.